The following is an entry in ClinVar:

ClinVar aggregate classification (germline): Uncertain significance. Review status: criteria provided, multiple submitters, no conflicts (2 of 4 stars). 2 submissions from 2 submitters: Uncertain significance (2). Last evaluated 2025-11-26.

Conditions:
Inborn genetic diseases. Identifiers: MedGen C0950123, MeSH D030342.

gnomAD v4.1: 1 of 1,613,844 alleles (0.000062%); highest among the groups gnomAD compares: South Asian, 0.0011%; no homozygotes.

Submissions (2):

Ambry Genetics
Classification: Uncertain significance for Inborn genetic diseases. Last evaluated: 2025-11-26. Review status: criteria provided, single submitter. Criteria: Ambry Variant Classification Scheme 2023. Collection method: clinical testing. Allele origin: germline.

Labcorp Genetics (formerly Invitae), Labcorp
Classification: Uncertain significance. Last evaluated: 2024-10-04. Review status: criteria provided, single submitter. Criteria: Invitae Variant Classification Sherloc (09022015). Collection method: clinical testing. Allele origin: germline.
Comment: This sequence change replaces alanine, which is neutral and non-polar, with glycine, which is neutral and non-polar, at codon 1574 of the MPDZ protein (p.Ala1574Gly). This variant is present in population databases (no rsID available, gnomAD 0.003%). This variant has not been reported in the literature in individuals affected with MPDZ-related conditions. An algorithm developed to predict the effect of missense changes on protein structure and function (PolyPhen-2) suggests that this variant is likely to be tolerated. In summary, the available evidence is currently insufficient to determine the role of this variant in disease. Therefore, it has been classified as a Variant of Uncertain Significance.

NM_001378778.1(MPDZ):c.4721C>G (p.Ala1574Gly)

Gene: MPDZ (multiple PDZ domain crumbs cell polarity complex component; minus strand). Cytogenetic location: 9p23.
Variant type: single nucleotide variant.
Coding change: c.4721C>G on transcript NM_001378778.1 (MANE Select); coding-DNA position 4721, C replaced by G.
Protein change: p.Ala1574Gly; replaces alanine 1574 with glycine.
Molecular consequence: missense variant.
Genome position (GRCh38, 1-based): chr9:13,125,302, G>C on the plus strand (C>G on the coding strand, the complement: MPDZ is on the minus strand). VCF-style: chr9-13125302-G-C. GRCh37 (hg19) VCF-style: chr9-13125301-G-C.
Other names: c.4721C>G (NM_003829.3); c.4622C>G, p.Ala1541Gly (NM_001261406.2, NM_001261407.2, NM_001375416.1 and 3 more transcripts); c.4721C>G, p.Ala1574Gly (NM_001330637.2, NM_003829.5); c.4820C>G, p.Ala1607Gly (NM_001375413.1); c.4511C>G, p.Ala1504Gly (NM_001375426.1, NM_001375420.1, NM_001375421.1 and 4 more transcripts); c.4313C>G, p.Ala1438Gly (NM_001375427.1); short protein forms A1438G, A1504G, A1541G, A1574G, A1607G.
Identifiers: ClinVar variation 3700250 (VCV003700250.3).